The following is an entry in ClinVar:

ClinVar aggregate classification (germline): Uncertain significance (1 of 4 stars; one submission).

gnomAD v4.1: 79 of 1,535,346 alleles (0.0051%); highest among the groups gnomAD compares: Non-Finnish European, 0.0066%; no homozygotes.

Submission:

Labcorp Genetics (formerly Invitae), Labcorp
Classification: Uncertain significance. Last evaluated: 2024-06-25. Review status: criteria provided, single submitter. Criteria: Invitae Variant Classification Sherloc (09022015). Collection method: clinical testing. Allele origin: germline.
Comment: This sequence change replaces proline, which is neutral and non-polar, with serine, which is neutral and polar, at codon 1501 of the MAST1 protein (p.Pro1501Ser). The frequency data for this variant in the population databases is considered unreliable, as metrics indicate poor data quality at this position in the gnomAD database. This variant has not been reported in the literature in individuals affected with MAST1-related conditions. An algorithm developed to predict the effect of missense changes on protein structure and function (PolyPhen-2) suggests that this variant is likely to be disruptive. In summary, the available evidence is currently insufficient to determine the role of this variant in disease. Therefore, it has been classified as a Variant of Uncertain Significance.

NM_014975.3(MAST1):c.4501C>T (p.Pro1501Ser)

Gene: MAST1 (microtubule associated serine/threonine kinase 1; plus strand). Cytogenetic location: 19p13.13.
Variant type: single nucleotide variant.
Coding change: c.4501C>T on transcript NM_014975.3 (MANE Select); coding-DNA position 4501, C replaced by T.
Protein change: p.Pro1501Ser; replaces proline 1501 with serine.
Molecular consequence: missense variant.
Genome position (GRCh38, 1-based): chr19:12,874,658, C>T. VCF-style: chr19-12874658-C-T. GRCh37 (hg19) VCF-style: chr19-12985472-C-T.
Other names: short protein forms P1501S.
Identifiers: ClinVar variation 3710051 (VCV003710051.2).